The following is an entry in ClinVar:

ClinVar aggregate classification (germline): Pathogenic (1 of 4 stars; one submission).

Conditions:
Cerebral cavernous malformation (CCM). Also called: Cerebral cavernous hemangioma (type); CAVERNOUS ANGIOMA, FAMILIAL; CAVERNOUS ANGIOMATOUS MALFORMATIONS; Cavernous Hemangioma of Brain; Cerebral cavernous malformations; CEREBRAL CAPILLARY MALFORMATIONS. Identifiers: Orphanet 221061, MedGen C2919945, MONDO:0000820, OMIM 116860, HP:0033522.

Submission:

Labcorp Genetics (formerly Invitae), Labcorp
Classification: Pathogenic for Cerebral cavernous malformation. Last evaluated: 2019-06-04. Review status: criteria provided, single submitter. Criteria: Invitae Variant Classification Sherloc (09022015). Collection method: clinical testing. Allele origin: germline.
Comment: This sequence change creates a premature translational stop signal (p.Asp428Glyfs*10) in the KRIT1 gene. It is expected to result in an absent or disrupted protein product. This variant is not present in population databases (ExAC no frequency). This variant has not been reported in the literature in individuals with KRIT1-related conditions. Loss-of-function variants in KRIT1 are known to be pathogenic (PMID: 10508515, 11222804, 12404106, 24689081). For these reasons, this variant has been classified as Pathogenic.

Literature cited by the submitters: PubMed 10508515; PubMed 11222804; PubMed 12404106; PubMed 24689081.

NM_194454.3(KRIT1):c.1281_1282dup (p.Asp428fs)

Gene: KRIT1 (KRIT1 ankyrin repeat containing; minus strand). Cytogenetic location: 7q21.2.
Variant type: Duplication.
Coding change: c.1281_1282dup on transcript NM_194454.3 (MANE Select); coding-DNA positions 1281 to 1282, 2 bases duplicated (GG; older notation c.1281_1282dupGG).
Protein change: p.Asp428fs; shifts the reading frame from aspartic acid 428.
Molecular consequence: frameshift variant.
Genome position (GRCh38, 1-based): chr7:92,222,951-92,222,952, CC duplicated on the plus strand (GG on the coding strand, the reverse complement: KRIT1 is on the minus strand). VCF-style (leftmost placement, unchanged base first): chr7-92222950-T-TCC. GRCh37 (hg19) VCF-style: chr7-91852264-T-TCC.
Other names: c.1137_1138dup, p.Asp380fs (NM_001013406.2, NM_001350669.1, NM_001350670.1); c.567_568dup, p.Asp190fs (NM_001350671.1); c.1281_1282dup, p.Asp428fs (NM_001350672.1, NM_001350673.1, NM_001350674.1 and 26 more transcripts); short protein forms D380fs, D428fs, D190fs.
Identifiers: ClinVar variation 936632 (VCV000936632.8), dbSNP rs1795430058, ClinGen allele CA1139660116.